The following is an entry in ClinVar:

ClinVar aggregate classification (germline): Uncertain significance (1 of 4 stars; one submission).

Conditions:
Cardiovascular phenotype. Identifiers: MedGen CN230736.
Hereditary cancer-predisposing syndrome. Also called: Tumor predisposition; Hereditary neoplastic syndrome; Neoplastic Syndromes, Hereditary; Hereditary Cancer Syndrome. Identifiers: Orphanet 140162, MedGen C0027672, MeSH D009386, MONDO:0015356.

Submission:

Ambry Genetics
Classification: Uncertain significance for Cardiovascular phenotype; Hereditary cancer-predisposing syndrome. Last evaluated: 2025-03-26. Review status: criteria provided, single submitter. Criteria: Ambry Variant Classification Scheme 2023. Collection method: clinical testing. Allele origin: germline.
Comment: The p.M1552I variant (also known as c.4656G>A), located in coding exon 34 of the NF1 gene, results from a G to A substitution at nucleotide position 4656. The methionine at codon 1552 is replaced by isoleucine, an amino acid with highly similar properties. This amino acid position is conserved. In addition, the in silico prediction for this alteration is inconclusive. Based on the available evidence, the clinical significance of this variant remains unclear.

NM_001042492.3(NF1):c.4719G>A (p.Met1573Ile)

Gene: NF1 (neurofibromin 1; plus strand). Cytogenetic location: 17q11.2.
Variant type: single nucleotide variant.
Coding change: c.4719G>A on transcript NM_001042492.3 (MANE Select); coding-DNA position 4719, G replaced by A.
Protein change: p.Met1573Ile; replaces methionine 1573 with isoleucine.
Molecular consequence: missense variant.
Genome position (GRCh38, 1-based): chr17:31,261,852, G>A. VCF-style: chr17-31261852-G-A. GRCh37 (hg19) VCF-style: chr17-29588870-G-A.
Other names: c.4656G>A, p.Met1552Ile (NM_000267.4); short protein forms M1573I, M1552I.
Identifiers: ClinVar variation 4016613 (VCV004016613.1).